The following is an entry in ClinVar:

NM_001369268.1(ACAN):c.1525T>C (p.Ser509Pro)

Gene: ACAN (aggrecan; plus strand). Cytogenetic location: 15q26.1.
Variant type: single nucleotide variant.
Coding change: c.1525T>C on transcript NM_001369268.1 (MANE Select); coding-DNA position 1525, T replaced by C.
Protein change: p.Ser509Pro; replaces serine 509 with proline.
Molecular consequence: missense variant.
Genome position (GRCh38, 1-based): chr15:88,847,338, T>C. VCF-style: chr15-88847338-T-C. GRCh37 (hg19) VCF-style: chr15-89390569-T-C.
Other names: c.1525T>C, p.Ser509Pro (NM_001135.4, NM_001411096.1, NM_001411097.1 and 1 more transcripts); short protein forms S509P.
Identifiers: ClinVar variation 2751961 (VCV002751961.3), dbSNP rs1567179783, ClinGen allele CA393710687.
Genomic context (GRCh38, chr15:88,847,338, plus strand): 5'-TACTCGCTGACCTTTGAGGAGGCACAGCAGGCCTGCCTGCGCACGGGGGCGGTCATTGCC[T>C]CGCCGGAGCAGCTCCAGGCCGCCTACGAAGCAGGCTATGAGCAGTGTGACGCCGGCTGGC-3'
Protein context (NP_001356197.1, residues 499-519): ACLRTGAVIA[Ser509Pro]PEQLQAAYEA

ClinVar aggregate classification (germline): Uncertain significance (1 of 4 stars; one submission).

Allele frequency attached by ClinVar (database versions not stated): TOPMed below 0.00001.

Submission:

Labcorp Genetics (formerly Invitae), Labcorp
Classification: Uncertain significance. Last evaluated: 2023-08-11. Review status: criteria provided, single submitter. Criteria: Invitae Variant Classification Sherloc (09022015). Collection method: clinical testing. Allele origin: germline.
Comment: In summary, the available evidence is currently insufficient to determine the role of this variant in disease. Therefore, it has been classified as a Variant of Uncertain Significance. Advanced modeling of protein sequence and biophysical properties (such as structural, functional, and spatial information, amino acid conservation, physicochemical variation, residue mobility, and thermodynamic stability) performed at Invitae indicates that this missense variant is not expected to disrupt ACAN protein function. This variant has not been reported in the literature in individuals affected with ACAN-related conditions. This variant is not present in population databases (gnomAD no frequency). This sequence change replaces serine, which is neutral and polar, with proline, which is neutral and non-polar, at codon 509 of the ACAN protein (p.Ser509Pro).